The following is an entry in ClinVar:

ClinVar aggregate classification (germline): Uncertain significance (1 of 4 stars; one submission).

Conditions:
Hereditary cancer-predisposing syndrome. Also called: Tumor predisposition; Neoplastic Syndromes, Hereditary; Hereditary Cancer Syndrome; Hereditary neoplastic syndrome. Identifiers: Orphanet 140162, MedGen C0027672, MeSH D009386, MONDO:0015356.

gnomAD v4.1: 2 of 1,612,934 alleles (0.00012%); highest among the groups gnomAD compares: African/African-American, 0.0013%; no homozygotes.

Submission:

Ambry Genetics
Classification: Uncertain significance for Hereditary cancer-predisposing syndrome. Last evaluated: 2025-01-28. Review status: criteria provided, single submitter. Criteria: Ambry Variant Classification Scheme 2023. Collection method: clinical testing. Allele origin: germline.
Comment: The p.I709V variant (also known as c.2125A>G), located in coding exon 14 of the NBN gene, results from an A to G substitution at nucleotide position 2125. The isoleucine at codon 709 is replaced by valine, an amino acid with highly similar properties. This amino acid position is conserved. In addition, this alteration is predicted to be tolerated by in silico analysis. Based on the available evidence, the clinical significance of this variant remains unclear.

NM_002485.5(NBN):c.2125A>G (p.Ile709Val)

Gene: NBN (nibrin; minus strand). Cytogenetic location: 8q21.3.
Variant type: single nucleotide variant.
Coding change: c.2125A>G on transcript NM_002485.5 (MANE Select); coding-DNA position 2125, A replaced by G.
Protein change: p.Ile709Val; replaces isoleucine 709 with valine.
Molecular consequence: missense variant.
Genome position (GRCh38, 1-based): chr8:89,943,312, T>C on the plus strand (A>G on the coding strand, the complement: NBN is on the minus strand). VCF-style: chr8-89943312-T-C. GRCh37 (hg19) VCF-style: chr8-90955540-T-C.
Other names: c.1879A>G, p.Ile627Val (NM_001024688.3); short protein forms I627V, I709V.
Identifiers: ClinVar variation 3877899 (VCV003877899.1).